The following is an entry in ClinVar:

NM_006904.7(PRKDC):c.3464G>A (p.Arg1155Gln)

Gene: PRKDC (protein kinase, DNA-activated, catalytic subunit; minus strand). Cytogenetic location: 8q11.21.
Variant type: single nucleotide variant.
Coding change: c.3464G>A on transcript NM_006904.7 (MANE Select); coding-DNA position 3464, G replaced by A.
Protein change: p.Arg1155Gln; replaces arginine 1155 with glutamine.
Molecular consequence: missense variant.
Genome position (GRCh38, 1-based): chr8:47,898,470, C>T on the plus strand (G>A on the coding strand, the complement: PRKDC is on the minus strand). VCF-style: chr8-47898470-C-T. GRCh37 (hg19) VCF-style: chr8-48811030-C-T.
Other names: c.3464G>A, p.Arg1155Gln (NM_001081640.2); short protein forms R1155Q.
Identifiers: ClinVar variation 1372925 (VCV001372925.5), dbSNP rs2154502170, ClinGen allele CA371154289.

ClinVar aggregate classification (germline): Uncertain significance (1 of 4 stars; one submission).

Conditions:
Severe combined immunodeficiency due to DNA-PKcs deficiency. Also called: IMMUNODEFICIENCY 26 WITH NEUROLOGIC ABNORMALITIES; Immunodeficiency 26 with or without neurologic abnormalities. Identifiers: Orphanet 317425, MedGen C4014833, MONDO:0014423, OMIM 615966.

Submission:

Labcorp Genetics (formerly Invitae), Labcorp
Classification: Uncertain significance for Severe combined immunodeficiency due to DNA-PKcs deficiency. Last evaluated: 2023-10-09. Review status: criteria provided, single submitter. Criteria: Invitae Variant Classification Sherloc (09022015). Collection method: clinical testing. Allele origin: germline.
Comment: This sequence change replaces arginine, which is basic and polar, with glutamine, which is neutral and polar, at codon 1155 of the PRKDC protein (p.Arg1155Gln). This variant also falls at the last nucleotide of exon 29, which is part of the consensus splice site for this exon. This variant is not present in population databases (gnomAD no frequency). This variant has not been reported in the literature in individuals affected with PRKDC-related conditions. ClinVar contains an entry for this variant (Variation ID: 1372925). Experimental studies and prediction algorithms are not available or were not evaluated, and the functional significance of this variant is currently unknown. Variants that disrupt the consensus splice site are a relatively common cause of aberrant splicing (PMID: 17576681, 9536098). Algorithms developed to predict the effect of sequence changes on RNA splicing suggest that this variant may disrupt the consensus splice site. In summary, the available evidence is currently insufficient to determine the role of this variant in disease. Therefore, it has been classified as a Variant of Uncertain Significance.

Literature cited by the submitters: PubMed 17576681; PubMed 9536098.